The following is an entry in ClinVar:

ClinVar aggregate classification (germline): Conflicting classifications of pathogenicity. Review status: criteria provided, conflicting classifications (1 of 4 stars). 2 submissions from 2 submitters: Uncertain significance (1); Likely benign (1). Last evaluated 2024-12-17.

Conditions:
Hereditary cancer-predisposing syndrome. Also called: Tumor predisposition; Hereditary neoplastic syndrome; Neoplastic Syndromes, Hereditary; Hereditary Cancer Syndrome. Identifiers: Orphanet 140162, MedGen C0027672, MeSH D009386, MONDO:0015356.
Familial cancer of breast. Also called: BREAST CANCER, FAMILIAL; Hereditary breast cancer; hereditary breast carcinoma. Identifiers: Orphanet 227535, MedGen C0346153, MONDO:0016419, OMIM 114480. Disease mechanism: loss of function.

Allele frequency attached by ClinVar (database versions not stated): gnomAD exomes below 0.00001; ExAC 0.00001; gnomAD 0.00001; TOPMed 0.00001.
gnomAD v4.1: 4 of 1,612,960 alleles (0.00025%); highest among the groups gnomAD compares: Non-Finnish European, 0.00034%; no homozygotes.

Submissions (2):

Labcorp Genetics (formerly Invitae), Labcorp
Classification: Uncertain significance for Familial cancer of breast. Last evaluated: 2024-12-17. Review status: criteria provided, single submitter. Criteria: Invitae Variant Classification Sherloc (09022015). Collection method: clinical testing. Allele origin: germline.
Comment: This sequence change replaces proline, which is neutral and non-polar, with threonine, which is neutral and polar, at codon 358 of the BARD1 protein (p.Pro358Thr). This variant is present in population databases (rs769594971, gnomAD 0.0009%). This variant has not been reported in the literature in individuals affected with BARD1-related conditions. ClinVar contains an entry for this variant (Variation ID: 960665). An algorithm developed to predict the effect of missense changes on protein structure and function (PolyPhen-2) suggests that this variant is likely to be tolerated. In summary, the available evidence is currently insufficient to determine the role of this variant in disease. Therefore, it has been classified as a Variant of Uncertain Significance.

Ambry Genetics
Classification: Likely benign for Hereditary cancer-predisposing syndrome. Last evaluated: 2024-02-26. Review status: criteria provided, single submitter. Criteria: Ambry Variant Classification Scheme 2023. Collection method: clinical testing. Allele origin: germline.

NM_000465.4(BARD1):c.1072C>A (p.Pro358Thr)

Gene: BARD1 (BRCA1 associated RING domain 1; minus strand). Cytogenetic location: 2q35.
Variant type: single nucleotide variant.
Coding change: c.1072C>A on transcript NM_000465.4 (MANE Select); coding-DNA position 1072, C replaced by A.
Protein change: p.Pro358Thr; replaces proline 358 with threonine.
Molecular consequence: missense variant. On other transcripts: non-coding transcript variant (2), intron variant (3).
Genome position (GRCh38, 1-based): chr2:214,780,802, G>T on the plus strand (C>A on the coding strand, the complement: BARD1 is on the minus strand). VCF-style: chr2-214780802-G-T. GRCh37 (hg19) VCF-style: chr2-215645526-G-T.
Other names: c.1072C>A (NM_000465.2); c.1015C>A, p.Pro339Thr (NM_001282543.2); c.159-28247C>A (NM_001282548.2); c.215+16259C>A (NM_001282545.2); c.364+11495C>A (NM_001282549.2); short protein forms P339T, P358T.
Identifiers: ClinVar variation 960665 (VCV000960665.11), dbSNP rs769594971, ClinGen allele CA2090342.